The following is an entry in ClinVar:

ClinVar aggregate classification (germline): Uncertain significance (1 of 4 stars; one submission).

Submission:

Labcorp Genetics (formerly Invitae), Labcorp
Classification: Uncertain significance. Last evaluated: 2025-03-25. Review status: criteria provided, single submitter. Criteria: Invitae Variant Classification Sherloc (09022015). Collection method: clinical testing. Allele origin: germline.
Comment: This sequence change replaces glycine, which is neutral and non-polar, with arginine, which is basic and polar, at codon 504 of the CSF1R protein (p.Gly504Arg). This variant also falls at the last nucleotide of exon 10, which is part of the consensus splice site for this exon. This variant is not present in population databases (gnomAD no frequency). This variant has not been reported in the literature in individuals affected with CSF1R-related conditions. An algorithm developed to predict the effect of missense changes on protein structure and function outputs the following: PolyPhen-2: "Benign". The arginine amino acid residue is found in multiple mammalian species, which suggests that this missense change does not adversely affect protein function. Variants that disrupt the consensus splice site are a relatively common cause of aberrant splicing (PMID: 17576681, 9536098). Algorithms developed to predict the effect of sequence changes on RNA splicing suggest that this variant may disrupt the consensus splice site. In summary, the available evidence is currently insufficient to determine the role of this variant in disease. Therefore, it has been classified as a Variant of Uncertain Significance.

Literature cited by the submitters: PubMed 17576681; PubMed 9536098.

NM_001288705.3(CSF1R):c.1510G>C (p.Gly504Arg)

Gene: CSF1R (colony stimulating factor 1 receptor; minus strand). Cytogenetic location: 5q32.
Variant type: single nucleotide variant.
Coding change: c.1510G>C on transcript NM_001288705.3 (MANE Select); coding-DNA position 1510, G replaced by C.
Protein change: p.Gly504Arg; replaces glycine 504 with arginine.
Molecular consequence: missense variant. On other transcripts: non-coding transcript variant (2).
Genome position (GRCh38, 1-based): chr5:150,069,873, C>G on the plus strand (G>C on the coding strand, the complement: CSF1R is on the minus strand). VCF-style: chr5-150069873-C-G. GRCh37 (hg19) VCF-style: chr5-149449436-C-G.
Other names: c.1510G>C, p.Gly504Arg (NM_001349736.2, NM_001375320.1, NM_005211.4); c.1066G>C, p.Gly356Arg (NM_001375321.1); short protein forms G356R, G504R.
Identifiers: ClinVar variation 4711842 (VCV004711842.1).
Genomic context (GRCh38, chr5:150,069,873, plus strand): 5'-AAAGGAGCAGGGGCGGGGGGCGGGCGGGGGGGCGGTGCGGGTGCGAAGGCTCCCTCTCAC[C>G]TGCAGAGATGGGTATGAAGGCCCAGGAGCCACTCCCCACGCTGTTGTGGGCCCTGCACTC-3'
Protein context (NP_001275634.1, residues 494-514): GSWAFIPISA[Gly504Arg]AHTHPPDEFL